The following is an entry in ClinVar:

NM_002860.4(ALDH18A1):c.808+287T>C

Gene: ALDH18A1 (aldehyde dehydrogenase 18 family member A1; minus strand). Cytogenetic location: 10q24.1.
Variant type: single nucleotide variant.
Coding change: c.808+287T>C on transcript NM_002860.4 (MANE Select); 287 bases into the intron after coding-DNA position 808, T replaced by C.
Molecular consequence: intron variant.
Genome position (GRCh38, 1-based): chr10:95,632,672, A>G on the plus strand (T>C on the coding strand, the complement: ALDH18A1 is on the minus strand). VCF-style: chr10-95632672-A-G. GRCh37 (hg19) VCF-style: chr10-97392429-A-G.
Other names: c.172+287T>C (NM_001323419.2); c.475+287T>C (NM_001323412.2, NM_001323416.2); c.703+287T>C (NM_001323417.2); c.802+287T>C (NM_001017423.2, NM_001323415.2); c.469+287T>C (NM_001323418.2); c.808+287T>C (NM_001323413.2, NM_001323414.2).
Identifiers: ClinVar variation 683817 (VCV000683817.1), dbSNP rs80336579, ClinGen allele CA13249673.

ClinVar aggregate classification (germline): Benign (1 of 4 stars; one submission).

Allele frequency attached by ClinVar (database versions not stated): 1000 Genomes Project 30x 0.03389; 1000 Genomes Project 0.03395; TOPMed 0.04801; gnomAD 0.04933 and 0.05023.
gnomAD v4.1: 7,526 of 152,298 alleles (4.9%); highest among the groups gnomAD compares: Middle Eastern, 6.1%; 226 homozygotes.

Submission:

GeneDx
Classification: Benign. Last evaluated: 2018-06-19. Review status: criteria provided, single submitter. Criteria: GeneDx Variant Classification (06012015). Collection method: clinical testing. Allele origin: germline. Affected: yes.
Comment: This variant is considered likely benign or benign based on one or more of the following criteria: it is a conservative change, it occurs at a poorly conserved position in the protein, it is predicted to be benign by multiple in silico algorithms, and/or has population frequency not consistent with disease.